The following is an entry in ClinVar:

NC_000009.11:g.(?_139390503)_(139438574_?)dup

Genes: MIR4673 (microRNA 4673; minus strand), NOTCH1 (notch receptor 1; minus strand), LOC124375244 (Sharpr-MPRA regulatory region 6589; plus strand), LOC126860794 (BRD4-independent group 4 enhancer GRCh37_chr9:139392592-139393791; plus strand), LOC130003015 (ATAC-STARR-seq lymphoblastoid active region 29311; plus strand) and 1 more. Cytogenetic location: 9q34.3.
Variant type: Duplication.
Identifiers: ClinVar variation 477871 (VCV000477871.1).

ClinVar aggregate classification (germline): Uncertain significance (1 of 4 stars; one submission).

Conditions:
Adams-Oliver syndrome 5 (AOS5). Identifiers: Orphanet 974, MedGen C4014970, MONDO:0014459, OMIM 616028.

Submission:

Labcorp Genetics (formerly Invitae), Labcorp
Classification: Uncertain significance for Adams-Oliver syndrome 5. Last evaluated: 2018-04-05. Review status: criteria provided, single submitter. Criteria: Invitae Variant Classification Sherloc (09022015). Collection method: clinical testing. Allele origin: germline.
Comment: This variant results in a copy number gain of the genomic region encompassing exons 2-34 of the NOTCH1 gene. The 5' boundary is likely confined to intron 1. The 3' end of this event is unknown as it extends beyond the assayed region for this gene and therefore may encompass additional genes. As the precise location of this event is unknown, it may be in tandem or it may be located elsewhere in the genome. This variant has not been reported in the literature in individuals with NOTCH1-related disease.Â¬â€ ClinVar contains an entry for this variant (Variation ID: 477871). In summary, the available evidence is currently insufficient to determine the role of this variant in disease. Therefore, it has been classified as a Variant of Uncertain Significance.